The following is an entry in ClinVar:

NM_001080414.4(CCDC88C):c.2785G>T (p.Asp929Tyr)

Gene: CCDC88C (coiled-coil domain containing 88C; minus strand). Cytogenetic location: 14q32.11.
Variant type: single nucleotide variant.
Coding change: c.2785G>T on transcript NM_001080414.4 (MANE Select); coding-DNA position 2785, G replaced by T.
Protein change: p.Asp929Tyr; replaces aspartic acid 929 with tyrosine.
Molecular consequence: missense variant.
Genome position (GRCh38, 1-based): chr14:91,309,938, C>A on the plus strand (G>T on the coding strand, the complement: CCDC88C is on the minus strand). VCF-style: chr14-91309938-C-A. GRCh37 (hg19) VCF-style: chr14-91776282-C-A.
Other names: short protein forms D929Y.
Identifiers: ClinVar variation 1958533 (VCV001958533.2), dbSNP rs1484865754, ClinGen allele CA390628028.

ClinVar aggregate classification (germline): Uncertain significance (1 of 4 stars; one submission).

Allele frequency attached by ClinVar (database versions not stated): TOPMed below 0.00001; gnomAD 0.00001; gnomAD exomes 0.00001.
gnomAD v4.1: 15 of 1,606,772 alleles (0.00093%); highest among the groups gnomAD compares: Non-Finnish European, 0.0012%; no homozygotes.

Submission:

Labcorp Genetics (formerly Invitae), Labcorp
Classification: Uncertain significance. Last evaluated: 2022-05-23. Review status: criteria provided, single submitter. Criteria: Invitae Variant Classification Sherloc (09022015). Collection method: clinical testing. Allele origin: germline.
Comment: This sequence change replaces aspartic acid, which is acidic and polar, with tyrosine, which is neutral and polar, at codon 929 of the CCDC88C protein (p.Asp929Tyr). The frequency data for this variant in the population databases is considered unreliable, as metrics indicate poor data quality at this position in the gnomAD database. This variant has not been reported in the literature in individuals affected with CCDC88C-related conditions. Algorithms developed to predict the effect of missense changes on protein structure and function (SIFT, PolyPhen-2, Align-GVGD) all suggest that this variant is likely to be disruptive. In summary, the available evidence is currently insufficient to determine the role of this variant in disease. Therefore, it has been classified as a Variant of Uncertain Significance.